The following is an entry in ClinVar:

ClinVar aggregate classification (germline): Uncertain significance (1 of 4 stars; one submission).

Conditions:
Cardiovascular phenotype. Identifiers: MedGen CN230736.

gnomAD v4.1: 1 of 1,613,864 alleles (0.000062%); highest among the groups gnomAD compares: Non-Finnish European, 0.000085%; no homozygotes.

Submission:

Ambry Genetics
Classification: Uncertain significance for Cardiovascular phenotype. Last evaluated: 2024-03-28. Review status: criteria provided, single submitter. Criteria: Ambry Variant Classification Scheme 2023. Collection method: clinical testing. Allele origin: germline.
Comment: The p.P281S variant (also known as c.841C>T), located in coding exon 11 of the TXNRD2 gene, results from a C to T substitution at nucleotide position 841. The proline at codon 281 is replaced by serine, an amino acid with similar properties. This amino acid position is conserved. In addition, the in silico prediction for this alteration is inconclusive. Based on the available evidence, the clinical significance of this alteration remains unclear.

NM_006440.5(TXNRD2):c.841C>T (p.Pro281Ser)

Gene: TXNRD2 (thioredoxin reductase 2; minus strand). Cytogenetic location: 22q11.21.
Variant type: single nucleotide variant.
Coding change: c.841C>T on transcript NM_006440.5 (MANE Select); coding-DNA position 841, C replaced by T.
Protein change: p.Pro281Ser; replaces proline 281 with serine.
Molecular consequence: missense variant. On other transcripts: non-coding transcript variant (1).
Genome position (GRCh38, 1-based): chr22:19,895,515, G>A on the plus strand (C>T on the coding strand, the complement: TXNRD2 is on the minus strand). VCF-style: chr22-19895515-G-A. GRCh37 (hg19) VCF-style: chr22-19883038-G-A.
Other names: c.841C>T, p.Pro281Ser (NM_001282512.3); c.838C>T, p.Pro280Ser (NM_001352300.2); c.751C>T, p.Pro251Ser (NM_001352301.2); c.553C>T, p.Pro185Ser (NM_001352302.2); c.745C>T, p.Pro249Ser (NM_001352303.2); short protein forms P185S, P249S, P280S, P251S, P281S.
Identifiers: ClinVar variation 3330399 (VCV003330399.1).